The following is an entry in ClinVar:

NM_004793.4(LONP1):c.754G>T (p.Ala252Ser)

Gene: LONP1 (lon peptidase 1, mitochondrial; minus strand). Cytogenetic location: 19p13.3.
Variant type: single nucleotide variant.
Coding change: c.754G>T on transcript NM_004793.4 (MANE Select); coding-DNA position 754, G replaced by T.
Protein change: p.Ala252Ser; replaces alanine 252 with serine.
Molecular consequence: missense variant. On other transcripts: non-coding transcript variant (1).
Genome position (GRCh38, 1-based): chr19:5,711,887, C>A on the plus strand (G>T on the coding strand, the complement: LONP1 is on the minus strand). VCF-style: chr19-5711887-C-A. GRCh37 (hg19) VCF-style: chr19-5711898-C-A.
Other names: c.562G>T, p.Ala188Ser (NM_001276479.2); c.166G>T, p.Ala56Ser (NM_001276480.1); short protein forms A188S, A252S, A56S.
Identifiers: ClinVar variation 3717749 (VCV003717749.2).

ClinVar aggregate classification (germline): Uncertain significance (1 of 4 stars; one submission).

gnomAD v4.1: 2 of 1,613,010 alleles (0.00012%); highest among the groups gnomAD compares: South Asian, 0.0011%; no homozygotes.

Submission:

Labcorp Genetics (formerly Invitae), Labcorp
Classification: Uncertain significance. Last evaluated: 2024-09-23. Review status: criteria provided, single submitter. Criteria: Invitae Variant Classification Sherloc (09022015). Collection method: clinical testing. Allele origin: germline.
Comment: This sequence change replaces alanine, which is neutral and non-polar, with serine, which is neutral and polar, at codon 252 of the LONP1 protein (p.Ala252Ser). This variant is present in population databases (no rsID available, gnomAD 0.03%). This variant has not been reported in the literature in individuals affected with LONP1-related conditions. An algorithm developed to predict the effect of missense changes on protein structure and function outputs the following: PolyPhen-2: "Benign". The serine amino acid residue is found in multiple mammalian species, which suggests that this missense change does not adversely affect protein function. In summary, the available evidence is currently insufficient to determine the role of this variant in disease. Therefore, it has been classified as a Variant of Uncertain Significance.